The following is an entry in ClinVar:

NM_001134407.3(GRIN2A):c.3341G>C (p.Arg1114Thr)

Gene: GRIN2A (glutamate ionotropic receptor NMDA type subunit 2A; minus strand). Cytogenetic location: 16p13.2.
Variant type: single nucleotide variant.
Coding change: c.3341G>C on transcript NM_001134407.3 (MANE Select); coding-DNA position 3341, G replaced by C.
Protein change: p.Arg1114Thr; replaces arginine 1114 with threonine.
Molecular consequence: missense variant.
Genome position (GRCh38, 1-based): chr16:9,764,203, C>G on the plus strand (G>C on the coding strand, the complement: GRIN2A is on the minus strand). VCF-style: chr16-9764203-C-G. GRCh37 (hg19) VCF-style: chr16-9858060-C-G.
Other names: c.3341G>C, p.Arg1114Thr (NM_000833.5, NM_001134408.2); short protein forms R1114T.
Identifiers: ClinVar variation 1441779 (VCV001441779.8), dbSNP rs1555482504, ClinGen allele CA314972.

ClinVar aggregate classification (germline): Uncertain significance (1 of 4 stars; one submission).

Conditions:
Landau-Kleffner syndrome (FESD). Also called: EPILEPSY, FOCAL, WITH SPEECH DISORDER AND WITH OR WITHOUT MENTAL RETARDATION; APHASIA, ACQUIRED, WITH EPILEPSY. Identifiers: Orphanet 1945, Orphanet 725, Orphanet 98818, MedGen C0282512, MONDO:0009509, OMIM 245570.

Allele frequency attached by ClinVar (database versions not stated): gnomAD 0.00001.
gnomAD v4.1: 1 of 1,373,392 alleles (0.000073%); highest among the groups gnomAD compares: East Asian, 0.0028%; no homozygotes.

Submission:

Labcorp Genetics (formerly Invitae), Labcorp
Classification: Uncertain significance for Landau-Kleffner syndrome. Last evaluated: 2022-09-02. Review status: criteria provided, single submitter. Criteria: Invitae Variant Classification Sherloc (09022015). Collection method: clinical testing. Allele origin: germline.
Comment: In summary, the available evidence is currently insufficient to determine the role of this variant in disease. Therefore, it has been classified as a Variant of Uncertain Significance. Advanced modeling of protein sequence and biophysical properties (such as structural, functional, and spatial information, amino acid conservation, physicochemical variation, residue mobility, and thermodynamic stability) performed at Invitae indicates that this missense variant is not expected to disrupt GRIN2A protein function. ClinVar contains an entry for this variant (Variation ID: 1441779). This variant has not been reported in the literature in individuals affected with GRIN2A-related conditions. This variant is not present in population databases (gnomAD no frequency). This sequence change replaces arginine, which is basic and polar, with threonine, which is neutral and polar, at codon 1114 of the GRIN2A protein (p.Arg1114Thr).